The following is an entry in ClinVar:

ClinVar aggregate classification (germline): Uncertain significance. Review status: criteria provided, multiple submitters, no conflicts (2 of 4 stars). 4 submissions from 4 submitters: Uncertain significance (4). Last evaluated 2025-08-17.

Conditions:
Enhanced S-cone syndrome (ESCS). Identifiers: Orphanet 53540, MedGen C1849394, MONDO:0100288, MONDO:0009989.
Retinitis pigmentosa 37 (RP37). Identifiers: Orphanet 791, MedGen C1970163, MONDO:0012625, OMIM 611131.
NR2E3-related disorder. Also called: NR2E3-related disorders; NR2E3-related condition. Identifiers: MedGen CN239387.

Allele frequency attached by ClinVar (database versions not stated): gnomAD 0.00001; gnomAD exomes 0.00002.

Submissions (4):

Labcorp Genetics (formerly Invitae), Labcorp
Classification: Uncertain significance. Last evaluated: 2025-08-17. Review status: criteria provided, single submitter. Criteria: Invitae Variant Classification Sherloc (09022015). Collection method: clinical testing. Allele origin: germline.
Comment: This sequence change replaces proline, which is neutral and non-polar, with leucine, which is neutral and non-polar, at codon 124 of the NR2E3 protein (p.Pro124Leu). The frequency data for this variant in the population databases is considered unreliable, as metrics indicate poor data quality at this position in the gnomAD database. This missense change has been observed in individual(s) with autosomal recessive retinitis pigmentosa (PMID: 31370859). ClinVar contains an entry for this variant (Variation ID: 1446484). Invitae Evidence Modeling of protein sequence and biophysical properties (such as structural, functional, and spatial information, amino acid conservation, physicochemical variation, residue mobility, and thermodynamic stability) has been performed for this missense variant. However, the output from this modeling did not meet the statistical confidence thresholds required to predict the impact of this variant on NR2E3 protein function. In summary, the available evidence is currently insufficient to determine the role of this variant in disease. Therefore, it has been classified as a Variant of Uncertain Significance.

PreventionGenetics, part of Exact Sciences
Classification: Uncertain significance for NR2E3-related condition. Last evaluated: 2025-02-19. Review status: criteria provided, single submitter. Criteria: ACMG Guidelines, 2015. Collection method: clinical testing. Allele origin: germline.
Comment: The NR2E3 c.371C>T variant is predicted to result in the amino acid substitution p.Pro124Leu. This variant has been reported along with a second NR2E3 variant in an individual with autosomal recessive retinitis pigmentosa (Takahashi et al. 2019. PubMed ID: 31370859). This variant has also been reported in the homozygous state in an individual with retinal disease; however, this individual also harbored a homozygous loss of function variant in CNGB3 (Table S3, Mihalich et al. 2024. PubMed ID: 38927702). This variant is present in 0.0032% of alleles in individuals of European (Non-Finnish) descent in gnomAD. At this time, the clinical significance of this variant is uncertain due to the absence of conclusive functional and genetic evidence.

Blueprint Genetics
Classification: Uncertain significance. Last evaluated: 2024-11-14. Review status: criteria provided, single submitter. Criteria: ACMG Guidelines, 2015. Collection method: clinical testing. Allele origin: germline.

Fulgent Genetics
Classification: Uncertain significance for ENHANCED S-CONE SYNDROME 1; Retinitis pigmentosa 37. Last evaluated: 2022-02-11. Review status: criteria provided, single submitter. Criteria: ACMG Guidelines, 2015. Collection method: clinical testing. Allele origin: unknown.

Literature cited by the submitters: PubMed 31370859 (cited by Labcorp Genetics (formerly Invitae), Labcorp).

NM_014249.4(NR2E3):c.371C>T (p.Pro124Leu)

Gene: NR2E3 (nuclear receptor subfamily 2 group E member 3; plus strand). Cytogenetic location: 15q23.
Variant type: single nucleotide variant.
Coding change: c.371C>T on transcript NM_014249.4 (MANE Select); coding-DNA position 371, C replaced by T.
Protein change: p.Pro124Leu; replaces proline 124 with leucine.
Molecular consequence: missense variant.
Genome position (GRCh38, 1-based): chr15:71,811,976, C>T. VCF-style: chr15-71811976-C-T. GRCh37 (hg19) VCF-style: chr15-72104316-C-T.
Other names: c.371C>T, p.Pro124Leu (NM_016346.4); c.371C>T (NM_014249.3); short protein forms P124L.
Identifiers: ClinVar variation 1446484 (VCV001446484.10), dbSNP rs958455222, ClinGen allele CA272575090.